The following is an entry in ClinVar:

ClinVar aggregate classification (germline): Uncertain significance (1 of 4 stars; one submission).

Conditions:
Sphingolipid activator protein 1 deficiency. Also called: Saposin B Deficiency; Metachromatic leukodystrophy due to saposin B deficiency; METACHROMATIC LEUKODYSTROPHY DUE TO CEREBROSIDE SULFATASE ACTIVATOR DEFICIENCY. Identifiers: Orphanet 512, MedGen C0268262, MONDO:0009590, OMIM 249900.

gnomAD v4.1: 14 of 1,551,102 alleles (0.0009%); highest among the groups gnomAD compares: East Asian, 0.0024%; no homozygotes.

Submission:

Labcorp Genetics (formerly Invitae), Labcorp
Classification: Uncertain significance for Sphingolipid activator protein 1 deficiency. Last evaluated: 2022-10-05. Review status: criteria provided, single submitter. Criteria: Invitae Variant Classification Sherloc (09022015). Collection method: clinical testing. Allele origin: germline.
Comment: This sequence change replaces alanine, which is neutral and non-polar, with threonine, which is neutral and polar, at codon 3 of the PSAP protein (p.Ala3Thr). This variant is not present in population databases (gnomAD no frequency). This variant has not been reported in the literature in individuals affected with PSAP-related conditions. Algorithms developed to predict the effect of missense changes on protein structure and function output the following: SIFT: "Not Available"; PolyPhen-2: "Not Available"; Align-GVGD: "Not Available". The threonine amino acid residue is found in multiple mammalian species, which suggests that this missense change does not adversely affect protein function. In summary, the available evidence is currently insufficient to determine the role of this variant in disease. Therefore, it has been classified as a Variant of Uncertain Significance.

NM_002778.4(PSAP):c.7G>A (p.Ala3Thr)

Gene: PSAP (prosaposin; minus strand). Cytogenetic location: 10q22.1.
Variant type: single nucleotide variant.
Coding change: c.7G>A on transcript NM_002778.4 (MANE Select); coding-DNA position 7, G replaced by A.
Protein change: p.Ala3Thr; replaces alanine 3 with threonine.
Molecular consequence: missense variant.
Genome position (GRCh38, 1-based): chr10:71,851,215, C>T on the plus strand (G>A on the coding strand, the complement: PSAP is on the minus strand). VCF-style: chr10-71851215-C-T. GRCh37 (hg19) VCF-style: chr10-73610972-C-T.
Other names: c.7G>A, p.Ala3Thr (NM_001042465.3, NM_001042466.3); short protein forms A3T.
Identifiers: ClinVar variation 2077257 (VCV002077257.1), dbSNP rs981794672, ClinGen allele CA209489472.